The following is an entry in ClinVar:

ClinVar aggregate classification (germline): Uncertain significance (1 of 4 stars; one submission).

Submission:

Labcorp Genetics (formerly Invitae), Labcorp
Classification: Uncertain significance. Last evaluated: 2026-01-19. Review status: criteria provided, single submitter. Criteria: Invitae Variant Classification Sherloc (09022015). Collection method: clinical testing. Allele origin: germline.
Comment: This sequence change replaces leucine with valine at codon 342 of the POLR1A protein (p.Leu342Val). The leucine residue is moderately conserved and there is a small physicochemical difference between leucine and valine. This variant is not present in population databases (gnomAD no frequency). This variant has not been reported in the literature in individuals affected with POLR1A-related conditions. ClinVar contains an entry for this variant (Variation ID: 1471200). Invitae Evidence Modeling of protein sequence and biophysical properties (such as structural, functional, and spatial information, amino acid conservation, physicochemical variation, residue mobility, and thermodynamic stability) indicates that this missense variant is expected to disrupt POLR1A protein function with a positive predictive value of 80%. In summary, the available evidence is currently insufficient to determine the role of this variant in disease. Therefore, it has been classified as a Variant of Uncertain Significance.

NM_015425.6(POLR1A):c.1024C>G (p.Leu342Val)

Gene: POLR1A (RNA polymerase I subunit A; minus strand). Cytogenetic location: 2p11.2.
Variant type: single nucleotide variant.
Coding change: c.1024C>G on transcript NM_015425.6 (MANE Select); coding-DNA position 1024, C replaced by G.
Protein change: p.Leu342Val; replaces leucine 342 with valine.
Molecular consequence: missense variant.
Genome position (GRCh38, 1-based): chr2:86,080,878, G>C on the plus strand (C>G on the coding strand, the complement: POLR1A is on the minus strand). VCF-style: chr2-86080878-G-C. GRCh37 (hg19) VCF-style: chr2-86308001-G-C.
Other names: short protein forms L342V.
Identifiers: ClinVar variation 1471200 (VCV001471200.6), dbSNP rs970652946, ClinGen allele CA347553319.